The following is an entry in ClinVar:

ClinVar aggregate classification (germline): Conflicting classifications of pathogenicity. Review status: criteria provided, conflicting classifications (1 of 4 stars). 6 submissions from 6 submitters: Uncertain significance (3); Likely benign (2). 1 of the submissions does not count toward it. Last evaluated 2025-12-19.

Conditions:
PLEC-related disorder. Also called: PLEC-related disorders; PLEC-related condition.
Autosomal recessive limb-girdle muscular dystrophy type 2Q (LGMDR17). Also called: MUSCULAR DYSTROPHY, LIMB-GIRDLE, AUTOSOMAL RECESSIVE 17. Identifiers: Orphanet 254361, MedGen C3150989, MONDO:0013390, OMIM 613723.
Epidermolysis bullosa simplex with nail dystrophy (EBS5D). Identifiers: MedGen C4225309, MONDO:0014661, OMIM 616487.
Epidermolysis bullosa simplex 5B, with muscular dystrophy (EBS5B). Also called: EPIDERMOLYSIS BULLOSA SIMPLEX AND LIMB-GIRDLE MUSCULAR DYSTROPHY; Epidermolysis bullosa simplex with muscular dystrophy. Identifiers: Orphanet 257, MedGen C2931072, MONDO:0009181, OMIM 226670.
Epidermolysis bullosa simplex, Ogna type (EBS5A). Also called: EPIDERMOLYSIS BULLOSA SIMPLEX 5A, OGNA TYPE; Pidermolysis bullosa simplex 5A, Ogna type. Identifiers: Orphanet 79401, MedGen C0432317, MONDO:0007555, OMIM 131950.
Epidermolysis bullosa simplex 5C, with pyloric atresia (EBS5C). Also called: PLEC-Related Epidermolysis Bullosa with Pyloric Atresia; PLEC1-Related Epidermolysis Bullosa with Pyloric Atresia; Epidermolysis bullosa simplex with pyloric atresia. Identifiers: Orphanet 158684, MedGen C2677349, MONDO:0012807, OMIM 612138.
Inborn genetic diseases. Identifiers: MedGen C0950123, MeSH D030342.

Allele frequency attached by ClinVar (database versions not stated): gnomAD exomes 0.00016; 1000 Genomes Project 0.00020; 1000 Genomes Project 30x 0.00031; ESP Exome Variant Server 0.00045; TOPMed 0.00069.
gnomAD v4.1: 347 of 1,596,884 alleles (0.022%); highest among the groups gnomAD compares: African/African-American, 0.23%; no homozygotes.

Submissions (6):

Labcorp Genetics (formerly Invitae), Labcorp
Classification: Likely benign for Autosomal recessive limb-girdle muscular dystrophy type 2Q; Epidermolysis bullosa simplex, Ogna type; Epidermolysis bullosa simplex with nail dystrophy; Epidermolysis bullosa simplex 5C, with pyloric atresia; Epidermolysis bullosa simplex 5B, with muscular dystrophy. Last evaluated: 2025-12-19. Review status: criteria provided, single submitter. Criteria: Invitae Variant Classification Sherloc (09022015). Collection method: clinical testing. Allele origin: germline.

Ambry Genetics
Classification: Uncertain significance for Inborn genetic diseases. Last evaluated: 2025-11-20. Review status: criteria provided, single submitter. Criteria: Ambry Variant Classification Scheme 2023. Collection method: clinical testing. Allele origin: germline.

Revvity Omics, Revvity
Classification: Uncertain significance. Last evaluated: 2024-02-06. Review status: criteria provided, single submitter. Criteria: ACMG Guidelines, 2015. Collection method: clinical testing. Allele origin: germline.

GeneDx
Classification: Likely benign. Last evaluated: 2020-01-30. Review status: criteria provided, single submitter. Criteria: GeneDx Variant Classification Process June 2021. Collection method: clinical testing. Allele origin: germline. Affected: yes.

Eurofins Ntd Llc (ga)
Classification: Uncertain significance. Last evaluated: 2017-03-07. Review status: criteria provided, single submitter. Criteria: EGL Classification Definitions 2015. Collection method: clinical testing. Allele origin: germline. Observed: 2 variant alleles, 2 heterozygotes.

PreventionGenetics, part of Exact Sciences
Classification: Likely benign for PLEC-related condition. Last evaluated: 2023-04-28. Review status: no assertion criteria provided. Collection method: clinical testing. Allele origin: germline. Not counted in ClinVar's aggregate classification.
Comment: This variant is classified as likely benign based on ACMG/AMP sequence variant interpretation guidelines (Richards et al. 2015 PMID: 25741868, with internal and published modifications).

NM_201384.3(PLEC):c.5582C>T (p.Ala1861Val)

Gene: PLEC (plectin; minus strand). Cytogenetic location: 8q24.3.
Variant type: single nucleotide variant.
Coding change: c.5582C>T on transcript NM_201384.3 (MANE Select); coding-DNA position 5582, C replaced by T.
Protein change: p.Ala1861Val; replaces alanine 1861 with valine.
Molecular consequence: missense variant.
Genome position (GRCh38, 1-based): chr8:143,924,347, G>A on the plus strand (C>T on the coding strand, the complement: PLEC is on the minus strand). VCF-style: chr8-143924347-G-A. GRCh37 (hg19) VCF-style: chr8-144998515-G-A.
Other names: c.5663C>T, p.Ala1888Val (NM_000445.5); c.5540C>T, p.Ala1847Val (NM_201378.4); c.5516C>T, p.Ala1839Val (NM_201379.3); c.5993C>T, p.Ala1998Val (NM_201380.4); c.5486C>T, p.Ala1829Val (NM_201381.3); c.5582C>T, p.Ala1861Val (NM_201382.4); c.5594C>T, p.Ala1865Val (NM_201383.3); short protein forms A1829V, A1839V, A1847V, A1861V, A1865V, A1888V, A1998V.
Identifiers: ClinVar variation 497114 (VCV000497114.25), dbSNP rs200949161, ClinGen allele CA4926316.